The following is an entry in ClinVar:

ClinVar aggregate classification (germline): Likely pathogenic (1 of 4 stars; one submission).

Submission:

Labcorp Genetics (formerly Invitae), Labcorp
Classification: Likely pathogenic. Last evaluated: 2023-11-05. Review status: criteria provided, single submitter. Criteria: Invitae Variant Classification Sherloc (09022015). Collection method: clinical testing. Allele origin: germline.
Comment: This sequence change affects an acceptor splice site in intron 5 of the SLC38A8 gene. It is expected to disrupt RNA splicing. Variants that disrupt the donor or acceptor splice site typically lead to a loss of protein function (PMID: 16199547), and loss-of-function variants in SLC38A8 are known to be pathogenic (PMID: 24290379). This variant is not present in population databases (gnomAD no frequency). This variant has not been reported in the literature in individuals affected with SLC38A8-related conditions. Algorithms developed to predict the effect of sequence changes on RNA splicing suggest that this variant may disrupt the consensus splice site. In summary, the currently available evidence indicates that the variant is pathogenic, but additional data are needed to prove that conclusively. Therefore, this variant has been classified as Likely Pathogenic.

Literature cited by the submitters: PubMed 16199547; PubMed 24290379.

NM_001080442.3(SLC38A8):c.691-1G>C

Gene: SLC38A8 (solute carrier family 38 member 8; minus strand). Cytogenetic location: 16q23.3.
Variant type: single nucleotide variant.
Coding change: c.691-1G>C on transcript NM_001080442.3 (MANE Select); the canonical splice acceptor site of the intron before coding-DNA position 691, G replaced by C.
Molecular consequence: splice acceptor variant.
Genome position (GRCh38, 1-based): chr16:84,022,890, C>G on the plus strand (G>C on the coding strand, the complement: SLC38A8 is on the minus strand). VCF-style: chr16-84022890-C-G. GRCh37 (hg19) VCF-style: chr16-84056495-C-G.
Identifiers: ClinVar variation 2855092 (VCV002855092.3), dbSNP rs2507631710, ClinGen allele CA396935242.